The following is an entry in ClinVar:

NM_001148.6(ANK2):c.6883A>G (p.Thr2295Ala)

Genes: ANK2 (ankyrin 2; plus strand), LOC126807137 (CDK7 strongly-dependent group 2 enhancer GRCh37_chr4:114276560-114277759; plus strand). Cytogenetic location: 4q26.
Variant type: single nucleotide variant.
Coding change: c.6883A>G on transcript NM_001148.6 (MANE Select); coding-DNA position 6883, A replaced by G.
Protein change: p.Thr2295Ala; replaces threonine 2295 with alanine.
Molecular consequence: missense variant. On other transcripts: intron variant (68).
Genome position (GRCh38, 1-based): chr4:113,355,501, A>G. VCF-style: chr4-113355501-A-G. GRCh37 (hg19) VCF-style: chr4-114276657-A-G.
Other names: c.6649A>G, p.Thr2217Ala (NM_001386142.1); c.3283A>G, p.Thr1095Ala (NM_001386166.1); c.7024A>G, p.Thr2342Ala (NM_001386174.1); c.7000A>G, p.Thr2334Ala (NM_001386175.1); c.4411+5252A>G (NM_001386186.2, NM_001386148.2); c.4213+5252A>G (NM_001354269.3); c.4291+5252A>G (NM_001386187.2); c.4252+5252A>G (NM_001386147.1); and 35 more; short protein forms T2295A, T1095A, T2217A, T2334A, T2342A.
Identifiers: ClinVar variation 576497 (VCV000576497.3), dbSNP rs1276641904, ClinGen allele CA357928531.

ClinVar aggregate classification (germline): Conflicting classifications of pathogenicity. Review status: criteria provided, conflicting classifications (1 of 4 stars). 2 submissions from 2 submitters: Uncertain significance (1); Likely benign (1). Last evaluated 2020-10-30.

Conditions:
Long QT syndrome (LQTS). Identifiers: MedGen C0023976, MeSH D008133, MONDO:0002442. Disease mechanism: loss of function. Inheritance: Various modes of inheritance.
Cardiovascular phenotype. Identifiers: MedGen CN230736.

Allele frequency attached by ClinVar (database versions not stated): gnomAD exomes below 0.00001; gnomAD 0.00001.
gnomAD v4.1: 7 of 1,613,976 alleles (0.00043%); highest among the groups gnomAD compares: East Asian, 0.0022%; no homozygotes.

Submissions (2):

Ambry Genetics
Classification: Likely benign for Cardiovascular phenotype. Last evaluated: 2020-10-30. Review status: criteria provided, single submitter. Criteria: Ambry Variant Classification Scheme 2023. Collection method: clinical testing. Allele origin: germline.

Labcorp Genetics (formerly Invitae), Labcorp
Classification: Uncertain significance for Long QT syndrome. Last evaluated: 2018-01-17. Review status: criteria provided, single submitter. Criteria: Invitae Variant Classification Sherloc (09022015). Collection method: clinical testing. Allele origin: germline.
Comment: This sequence change replaces threonine with alanine at codon 2295 of the ANK2 protein (p.Thr2295Ala). The threonine residue is weakly conserved and there is a small physicochemical difference between threonine and alanine. This variant is not present in population databases (ExAC no frequency). This variant has not been reported in the literature in individuals with ANK2-related disease. Algorithms developed to predict the effect of missense changes on protein structure and function output the following: SIFT: "Tolerated"; PolyPhen-2: "Benign"; Align-GVGD: "Class C0". The alanine amino acid residue is found in multiple mammalian species, suggesting that this missense change does not adversely affect protein function. These predictions have not been confirmed by published functional studies and their clinical significance is uncertain. In summary, the available evidence is currently insufficient to determine the role of this variant in disease. Therefore, it has been classified as a Variant of Uncertain Significance.